The following continues an entry in ClinVar:

NM_001927.4(DES):c.1243C>T (p.Arg415Trp)

Gene: DES. ClinVar aggregate classification (germline): Conflicting classifications of pathogenicity. Likely pathogenic (2); Uncertain significance (10).

Submissions 8 to 12 of 12:

Ambry Genetics
Classification: Uncertain significance for Cardiovascular phenotype. Last evaluated: 2023-02-28. Review status: criteria provided, single submitter. Criteria: Ambry Variant Classification Scheme 2023. Collection method: clinical testing. Allele origin: germline.
Comment: The p.R415W variant (also known as c.1243C>T), located in coding exon 6 of the DES gene, results from a C to T substitution at nucleotide position 1243. The arginine at codon 415 is replaced by tryptophan, an amino acid with dissimilar properties. This alteration has been reported in myopathy cohorts; however, clinical details were limited and an additional alteration in a cardiac-related gene was identified in one case (Goldfarb LG et al. Adv Exp Med Biol, 2008;642:131-64; Bugiardini E et al. Front Neurol, 2018 Jun;9:456). This amino acid position is highly conserved in available vertebrate species. In addition, this alteration is predicted to be deleterious by in silico analysis. Since supporting evidence is limited at this time, the clinical significance of this alteration remains unclear.

Fulgent Genetics
Classification: Uncertain significance for Neurogenic scapuloperoneal syndrome, Kaeser type; Desmin-related myofibrillar myopathy; Dilated cardiomyopathy 1I. Last evaluated: 2021-09-14. Review status: criteria provided, single submitter. Criteria: ACMG Guidelines, 2015. Collection method: clinical testing. Allele origin: unknown.

Revvity Omics, Revvity
Classification: Uncertain significance. Last evaluated: 2021-01-08. Review status: criteria provided, single submitter. Criteria: ACMG Guidelines, 2015. Collection method: clinical testing. Allele origin: germline.

Blueprint Genetics
Classification: Uncertain significance. Last evaluated: 2020-12-23. Review status: criteria provided, single submitter. Criteria: ACMG Guidelines, 2015. Collection method: clinical testing. Allele origin: germline.

Eurofins Ntd Llc (ga)
Classification: Uncertain significance. Last evaluated: 2017-12-28. Review status: criteria provided, single submitter. Criteria: EGL Classification Definitions 2015. Collection method: clinical testing. Allele origin: germline. Observed: 6 variant alleles, 6 heterozygotes.

Literature cited by the submitters: PubMed 19181099 (cited by 4 submitters); PubMed 29382405 (cited by Labcorp Genetics (formerly Invitae), Labcorp and Women's Health and Genetics/Laboratory Corporation of America, LabCorp); PubMed 29997562 (cited by 3 submitters); PubMed 38727660 (cited by Labcorp Genetics (formerly Invitae), Labcorp and Women's Health and Genetics/Laboratory Corporation of America, LabCorp); PubMed 23143191 (cited by Eurofins Ntd Llc (ga)).